The following is an entry in ClinVar:

NM_018076.5(ODAD2):c.784A>C (p.Ile262Leu)

Gene: ODAD2 (outer dynein arm docking complex subunit 2; minus strand). Cytogenetic location: 10p12.1.
Variant type: single nucleotide variant.
Coding change: c.784A>C on transcript NM_018076.5 (MANE Select); coding-DNA position 784, A replaced by C.
Protein change: p.Ile262Leu; replaces isoleucine 262 with leucine.
Molecular consequence: missense variant.
Genome position (GRCh38, 1-based): chr10:27,983,878, T>G on the plus strand (A>C on the coding strand, the complement: ODAD2 is on the minus strand). VCF-style: chr10-27983878-T-G. GRCh37 (hg19) VCF-style: chr10-28272807-T-G.
Other names: c.784A>C, p.Ile262Leu (NM_001290020.2); short protein forms I262L.
Identifiers: ClinVar variation 2119260 (VCV002119260.4), dbSNP rs757029838, ClinGen allele CA376395854.

ClinVar aggregate classification (germline): Uncertain significance (1 of 4 stars; one submission).

Conditions:
Primary ciliary dyskinesia 23 (CILD23). Also called: CILIARY DYSKINESIA, PRIMARY, 23, WITH OR WITHOUT SITUS INVERSUS. Identifiers: Orphanet 244, MedGen C3809548, MONDO:0014193, OMIM 615451.

gnomAD v4.1: 1 of 1,613,148 alleles (0.000062%); highest among the groups gnomAD compares: African/African-American, 0.0013%; no homozygotes.

Submission:

Labcorp Genetics (formerly Invitae), Labcorp
Classification: Uncertain significance for Primary ciliary dyskinesia 23. Last evaluated: 2022-03-29. Review status: criteria provided, single submitter. Criteria: Invitae Variant Classification Sherloc (09022015). Collection method: clinical testing. Allele origin: germline.
Comment: In summary, the available evidence is currently insufficient to determine the role of this variant in disease. Therefore, it has been classified as a Variant of Uncertain Significance. Algorithms developed to predict the effect of missense changes on protein structure and function output the following: SIFT: "Tolerated"; PolyPhen-2: "Benign"; Align-GVGD: "Class C0". The leucine amino acid residue is found in multiple mammalian species, which suggests that this missense change does not adversely affect protein function. This variant has not been reported in the literature in individuals affected with ARMC4-related conditions. This variant is not present in population databases (gnomAD no frequency). This sequence change replaces isoleucine, which is neutral and non-polar, with leucine, which is neutral and non-polar, at codon 262 of the ARMC4 protein (p.Ile262Leu).